The following is an entry in ClinVar:

ClinVar aggregate classification (germline): Uncertain significance (1 of 4 stars; one submission).

Submission:

GeneDx
Classification: Uncertain significance. Last evaluated: 2022-11-17. Review status: criteria provided, single submitter. Criteria: GeneDx Variant Classification Process June 2021. Collection method: clinical testing. Allele origin: germline. Affected: yes.
Comment: Not observed at significant frequency in large population cohorts (gnomAD); In silico analysis supports that this missense variant does not alter protein structure/function; Has not been previously published as pathogenic or benign to our knowledge

NM_015338.6(ASXL1):c.2258C>G (p.Pro753Arg)

Gene: ASXL1 (ASXL transcriptional regulator 1; plus strand). Cytogenetic location: 20q11.21.
Variant type: single nucleotide variant.
Coding change: c.2258C>G on transcript NM_015338.6 (MANE Select); coding-DNA position 2258, C replaced by G.
Protein change: p.Pro753Arg; replaces proline 753 with arginine.
Molecular consequence: missense variant.
Genome position (GRCh38, 1-based): chr20:32,434,970, C>G. VCF-style: chr20-32434970-C-G. GRCh37 (hg19) VCF-style: chr20-31022773-C-G.
Other names: c.2075C>G, p.Pro692Arg (NM_001363734.1); short protein forms P692R, P753R.
Identifiers: ClinVar variation 2502716 (VCV002502716.1), dbSNP rs2515561631, ClinGen allele CA408559436.